The following is an entry in ClinVar:

NM_014053.4(FLVCR1):c.263C>A (p.Ala88Asp)

Genes: FLVCR1 (FLVCR choline and heme transporter 1; plus strand), LOC129932486 (ATAC-STARR-seq lymphoblastoid silent region 1807; plus strand). Cytogenetic location: 1q32.3.
Variant type: single nucleotide variant.
Coding change: c.263C>A on transcript NM_014053.4 (MANE Select); coding-DNA position 263, C replaced by A.
Protein change: p.Ala88Asp; replaces alanine 88 with aspartic acid.
Molecular consequence: missense variant.
Genome position (GRCh38, 1-based): chr1:212,858,715, C>A. VCF-style: chr1-212858715-C-A. GRCh37 (hg19) VCF-style: chr1-213032057-C-A.
Other names: short protein forms A88D.
Identifiers: ClinVar variation 1399685 (VCV001399685.8), dbSNP rs1664114810, ClinGen allele CA344795689.

ClinVar aggregate classification (germline): Uncertain significance (1 of 4 stars; one submission).

Allele frequency attached by ClinVar (database versions not stated): TOPMed 0.00001.

Submission:

Labcorp Genetics (formerly Invitae), Labcorp
Classification: Uncertain significance. Last evaluated: 2021-06-06. Review status: criteria provided, single submitter. Criteria: Invitae Variant Classification Sherloc (09022015). Collection method: clinical testing. Allele origin: germline.
Comment: In summary, the available evidence is currently insufficient to determine the role of this variant in disease. Therefore, it has been classified as a Variant of Uncertain Significance. Algorithms developed to predict the effect of missense changes on protein structure and function (SIFT, PolyPhen-2, Align-GVGD) all suggest that this variant is likely to be tolerated, but these predictions have not been confirmed by published functional studies and their clinical significance is uncertain. This variant has not been reported in the literature in individuals with FLVCR1-related conditions. This variant is not present in population databases (ExAC no frequency). This sequence change replaces alanine with aspartic acid at codon 88 of the FLVCR1 protein (p.Ala88Asp). The alanine residue is weakly conserved and there is a moderate physicochemical difference between alanine and aspartic acid.